The following is an entry in ClinVar:

ClinVar aggregate classification (germline): Uncertain significance (1 of 4 stars; one submission).

gnomAD v4.1: 1 of 1,614,204 alleles (0.000062%); highest among the groups gnomAD compares: East Asian, 0.0022%; no homozygotes.

Submission:

GeneDx
Classification: Uncertain significance. Last evaluated: 2026-03-29. Review status: criteria provided, single submitter. Criteria: GeneDx Variant Classification Process June 2021. Collection method: clinical testing. Allele origin: germline.
Comment: Not observed at significant frequency in large population cohorts (gnomAD); In silico analysis supports that this missense variant has a deleterious effect on protein structure/function; Has not been previously published as pathogenic or benign to our knowledge; Does not affect a cysteine or calcium-binding residue within an EGF-like domain or a TGF-binding protein domain of the FBN1 gene; cysteine substitutions in the EGF-like domains represent the majority of pathogenic missense changes associated with FBN1-related disorders (PMID: 12938084); This variant is associated with the following publications: (PMID: 12938084)

NM_000138.5(FBN1):c.3652A>G (p.Ser1218Gly)

Gene: FBN1 (fibrillin 1; minus strand). Cytogenetic location: 15q21.1.
Variant type: single nucleotide variant.
Coding change: c.3652A>G on transcript NM_000138.5 (MANE Select); coding-DNA position 3652, A replaced by G.
Protein change: p.Ser1218Gly; replaces serine 1218 with glycine.
Molecular consequence: missense variant.
Genome position (GRCh38, 1-based): chr15:48,485,434, T>C on the plus strand (A>G on the coding strand, the complement: FBN1 is on the minus strand). VCF-style: chr15-48485434-T-C. GRCh37 (hg19) VCF-style: chr15-48777631-T-C.
Other names: c.3652A>G, p.Ser1218Gly (NM_001406716.1); short protein forms S1218G.
Identifiers: ClinVar variation 5017768 (VCV005017768.1).